The following is an entry in ClinVar:

NM_001276270.2(MBD4):c.1667A>G (p.Lys556Arg)

Gene: MBD4 (methyl-CpG binding domain 4, DNA glycosylase; minus strand). Cytogenetic location: 3q21.3.
Variant type: single nucleotide variant.
Coding change: c.1667A>G on transcript NM_001276270.2 (MANE Select); coding-DNA position 1667, A replaced by G.
Protein change: p.Lys556Arg; replaces lysine 556 with arginine.
Molecular consequence: missense variant. On other transcripts: 3 prime UTR variant (1).
Genome position (GRCh38, 1-based): chr3:129,431,559, T>C on the plus strand (A>G on the coding strand, the complement: MBD4 is on the minus strand). VCF-style: chr3-129431559-T-C. GRCh37 (hg19) VCF-style: chr3-129150402-T-C.
Other names: c.*9A>G (NM_001276272.2); c.731A>G, p.Lys244Arg (NM_001276273.2); c.1685A>G, p.Lys562Arg (NM_003925.3); short protein forms K244R, K556R, K562R.
Identifiers: ClinVar variation 2871151 (VCV002871151.4), dbSNP rs777650629, ClinGen allele CA2605216.

ClinVar aggregate classification (germline): Uncertain significance. Review status: criteria provided, multiple submitters, no conflicts (2 of 4 stars). 2 submissions from 2 submitters: Uncertain significance (2). Last evaluated 2025-03-27.

Conditions:
Inborn genetic diseases. Identifiers: MedGen C0950123, MeSH D030342.

Allele frequency attached by ClinVar (database versions not stated): gnomAD exomes below 0.00001; TOPMed 0.00005; ExAC 0.00001; gnomAD 0.00001.
gnomAD v4.1: 3 of 1,612,706 alleles (0.00019%); highest among the groups gnomAD compares: African/African-American, 0.004%; no homozygotes.

Submissions (2):

Labcorp Genetics (formerly Invitae), Labcorp
Classification: Uncertain significance. Last evaluated: 2025-03-27. Review status: criteria provided, single submitter. Criteria: Invitae Variant Classification Sherloc (09022015). Collection method: clinical testing. Allele origin: germline.
Comment: This sequence change replaces lysine, which is basic and polar, with arginine, which is basic and polar, at codon 562 of the MBD4 protein (p.Lys562Arg). This variant is present in population databases (rs777650629, gnomAD 0.008%). This variant has not been reported in the literature in individuals affected with MBD4-related conditions. ClinVar contains an entry for this variant (Variation ID: 2871151). An algorithm developed to predict the effect of missense changes on protein structure and function (PolyPhen-2) suggests that this variant is likely to be disruptive. In summary, the available evidence is currently insufficient to determine the role of this variant in disease. Therefore, it has been classified as a Variant of Uncertain Significance.

Ambry Genetics
Classification: Uncertain significance for Inborn genetic diseases. Last evaluated: 2024-11-26. Review status: criteria provided, single submitter. Criteria: Ambry Variant Classification Scheme 2023. Collection method: clinical testing. Allele origin: germline.
Comment: The p.K556R variant (also known as c.1667A>G), located in coding exon 8 of the MBD4 gene, results from an A to G substitution at nucleotide position 1667. The lysine at codon 556 is replaced by arginine, an amino acid with highly similar properties. This amino acid position is conserved. In addition, this alteration is predicted to be tolerated by in silico analysis. Based on the available evidence, the clinical significance of this variant remains unclear.